The following is an entry in ClinVar:

NM_000458.4(HNF1B):c.339G>A (p.Met113Ile)

Gene: HNF1B (HNF1 homeobox B; minus strand). Cytogenetic location: 17q12.
Variant type: single nucleotide variant.
Coding change: c.339G>A on transcript NM_000458.4 (MANE Select); coding-DNA position 339, G replaced by A.
Protein change: p.Met113Ile; replaces methionine 113 with isoleucine.
Molecular consequence: missense variant.
Genome position (GRCh38, 1-based): chr17:37,744,546, C>T on the plus strand (G>A on the coding strand, the complement: HNF1B is on the minus strand). VCF-style: chr17-37744546-C-T. GRCh37 (hg19) VCF-style: chr17-36104537-C-T.
Other names: c.339G>A, p.Met113Ile (NM_001165923.4, NM_001304286.2); short protein forms M113I.
Identifiers: ClinVar variation 596980 (VCV000596980.6), dbSNP rs764079701, ClinGen allele CA8519113.

ClinVar aggregate classification (germline): Uncertain significance/Uncertain risk allele. Review status: criteria provided, multiple submitters, no conflicts (2 of 4 stars). 2 submissions from 2 submitters: Uncertain significance (1); Uncertain risk allele (1). Last evaluated 2018-04-25.

Conditions:
Maturity-onset diabetes of the young (MODY). Also called: Maturity onset diabetes mellitus in young. Identifiers: Orphanet 552, MedGen C0342276, MONDO:0018911, HP:0004904.

Allele frequency attached by ClinVar (database versions not stated): ExAC 0.00001; gnomAD exomes below 0.00001.

Submissions (2):

Eurofins Ntd Llc (ga)
Classification: Uncertain significance. Last evaluated: 2018-04-25. Review status: criteria provided, single submitter. Criteria: EGL ClinVar v180209 classification definitions. Collection method: clinical testing. Allele origin: germline. Observed: 1 variant allele, 1 heterozygote.

Clinical Genomics, Uppaluri K&H Personalized Medicine Clinic
Classification: Uncertain risk allele for Maturity-onset diabetes of the young. Review status: criteria provided, single submitter. Criteria: K & H Uppaluri Personalized Medicine Clinic Variant Classification & Assertion Criteria_Updated V.1. Collection method: research. Allele origin: unknown. Inheritance: Autosomal dominant inheritance.
Comment: HNF1B gene mutations are associated with early onset diabetes and pancreatic atrophy. It is also associated with multiple renal manifestations including renal cysts, Tubulointerstitial disease, glomerulocystic disease, renal hypoplasia, hypomagnesemia. However no sufficient evidence is found to ascertain the role of this particular variant rs764079701, yet.

Literature cited by the submitters: PubMed 24897035 (cited by Clinical Genomics, Uppaluri K&H Personalized Medicine Clinic); PubMed 25536396 (cited by Clinical Genomics, Uppaluri K&H Personalized Medicine Clinic); PubMed 27615128 (cited by Clinical Genomics, Uppaluri K&H Personalized Medicine Clinic); PubMed 28215227 (cited by Clinical Genomics, Uppaluri K&H Personalized Medicine Clinic); PubMed 33434175 (cited by Clinical Genomics, Uppaluri K&H Personalized Medicine Clinic); PubMed 25741167 (cited by Clinical Genomics, Uppaluri K&H Personalized Medicine Clinic); PubMed 26340261 (cited by Clinical Genomics, Uppaluri K&H Personalized Medicine Clinic); PubMed 19639018 (cited by Clinical Genomics, Uppaluri K&H Personalized Medicine Clinic).